The following is an entry in ClinVar:

NM_005618.4(DLL1):c.2047G>T (p.Gly683Cys)

Genes: DLL1 (delta like canonical Notch ligand 1; minus strand), LOC126859913 (P300/CBP strongly-dependent group 1 enhancer GRCh37_chr6:170591232-170592431; plus strand). Cytogenetic location: 6q27.
Variant type: single nucleotide variant.
Coding change: c.2047G>T on transcript NM_005618.4 (MANE Select); coding-DNA position 2047, G replaced by T.
Protein change: p.Gly683Cys; replaces glycine 683 with cysteine.
Molecular consequence: missense variant.
Genome position (GRCh38, 1-based): chr6:170,283,232, C>A on the plus strand (G>T on the coding strand, the complement: DLL1 is on the minus strand). VCF-style: chr6-170283232-C-A. GRCh37 (hg19) VCF-style: chr6-170592320-C-A.
Other names: short protein forms G683C.
Identifiers: ClinVar variation 4776268 (VCV004776268.1).

ClinVar aggregate classification (germline): Uncertain significance (1 of 4 stars; one submission).

gnomAD v4.1: 18 of 1,612,694 alleles (0.0011%); highest among the groups gnomAD compares: Non-Finnish European, 0.0015%; no homozygotes.

Submission:

Labcorp Genetics (formerly Invitae), Labcorp
Classification: Uncertain significance. Last evaluated: 2025-12-06. Review status: criteria provided, single submitter. Criteria: Invitae Variant Classification Sherloc (09022015). Collection method: clinical testing. Allele origin: germline.
Comment: This sequence change replaces glycine, which is neutral and non-polar, with cysteine, which is neutral and slightly polar, at codon 683 of the DLL1 protein (p.Gly683Cys). This variant is present in population databases (no rsID available, gnomAD 0.004%). This variant has not been reported in the literature in individuals affected with DLL1-related conditions. An algorithm developed to predict the effect of missense changes on protein structure and function (PolyPhen-2) suggests that this variant is likely to be disruptive. Algorithms developed to predict the effect of sequence changes on RNA splicing suggest that this variant may create or strengthen a splice site. In summary, the available evidence is currently insufficient to determine the role of this variant in disease. Therefore, it has been classified as a Variant of Uncertain Significance.